The following is an entry in ClinVar:

ClinVar aggregate classification (germline): Conflicting classifications of pathogenicity. Review status: criteria provided, conflicting classifications (1 of 4 stars). 3 submissions from 3 submitters: Uncertain significance (2); Likely benign (1). Last evaluated 2025-09-12.

Conditions:
Hereditary breast ovarian cancer syndrome. Also called: Breast and ovarian cancer; Hereditary breast and/or ovarian cancer syndrome; Hereditary breast and ovarian cancer; Hereditary breast and ovarian cancer syndrome (HBOC); BRCA1- and BRCA2-Associated Hereditary Breast and Ovarian Cancer; Hereditary breast and ovarian cancer syndrome. Identifiers: Orphanet 145, MedGen C0677776, MeSH D061325, MONDO:0003582. Disease mechanism: loss of function.
Hereditary cancer-predisposing syndrome. Also called: Hereditary Cancer Syndrome; Neoplastic Syndromes, Hereditary; Tumor predisposition; Hereditary neoplastic syndrome. Identifiers: Orphanet 140162, MedGen C0027672, MeSH D009386, MONDO:0015356.

Submissions (3):

Labcorp Genetics (formerly Invitae), Labcorp
Classification: Uncertain significance for Hereditary breast ovarian cancer syndrome. Last evaluated: 2025-09-12. Review status: criteria provided, single submitter. Criteria: Invitae Variant Classification Sherloc (09022015). Collection method: clinical testing. Allele origin: germline.
Comment: This sequence change replaces threonine, which is neutral and polar, with proline, which is neutral and non-polar, at codon 293 of the BRCA1 protein (p.Thr293Pro). This variant is not present in population databases (gnomAD no frequency). This variant has not been reported in the literature in individuals affected with BRCA1-related conditions. ClinVar contains an entry for this variant (Variation ID: 489738). Invitae Evidence Modeling of protein sequence and biophysical properties (such as structural, functional, and spatial information, amino acid conservation, physicochemical variation, residue mobility, and thermodynamic stability) indicates that this missense variant is expected to disrupt BRCA1 protein function with a positive predictive value of 80%. In summary, the available evidence is currently insufficient to determine the role of this variant in disease. Therefore, it has been classified as a Variant of Uncertain Significance.

Color Diagnostics, LLC DBA Color Health
Classification: Uncertain significance for Hereditary cancer-predisposing syndrome. Last evaluated: 2024-07-30. Review status: criteria provided, single submitter. Criteria: ACMG Guidelines, 2015. Collection method: clinical testing. Allele origin: germline.
Comment: This missense variant replaces threonine with proline at codon 293 of the BRCA1 protein. Computational prediction is inconclusive regarding the impact of this variant on protein structure and function. To our knowledge, functional studies have not been reported for this variant. This variant has not been reported in individuals affected with BRCA1-related disorders in the literature. This variant has not been identified in the general population by the Genome Aggregation Database (gnomAD). The available evidence is insufficient to determine the role of this variant in disease conclusively. Therefore, this variant is classified as a Variant of Uncertain Significance.

University of Washington Department of Laboratory Medicine, University of Washington
Classification: Likely benign for Hereditary cancer-predisposing syndrome. Last evaluated: 2023-03-23. Review status: criteria provided, single submitter. Criteria: Dines et al. (Genet Med. 2020). Collection method: curation. Allele origin: germline.
Comment: Missense variant in a coldspot region where missense variants are very unlikely to be pathogenic (PMID:31911673).

BRCA1 coldspot (exon 11 using historical exon numbering). Reclassification based on statistical prior probability

NM_007294.4(BRCA1):c.877A>C (p.Thr293Pro)

Gene: BRCA1 (BRCA1 DNA repair associated; minus strand). Cytogenetic location: 17q21.31.
Variant type: single nucleotide variant.
Coding change: c.877A>C on transcript NM_007294.4 (MANE Select); coding-DNA position 877, A replaced by C.
Protein change: p.Thr293Pro; replaces threonine 293 with proline.
Molecular consequence: missense variant. On other transcripts: 5 prime UTR variant (2), intron variant (137).
Genome position (GRCh38, 1-based): chr17:43,094,654, T>G on the plus strand (A>C on the coding strand, the complement: BRCA1 is on the minus strand). VCF-style: chr17-43094654-T-G. GRCh37 (hg19) VCF-style: chr17-41246671-T-G.
Other names: c.667A>C, p.Thr223Pro (NM_001407881.1, NM_001407889.1, NM_001407882.1 and 13 more transcripts); c.664A>C, p.Thr222Pro (NM_001407894.1, NM_001407571.1, NM_001407853.1 and 9 more transcripts); c.751A>C, p.Thr251Pro (NM_001407649.1, NM_001407670.1, NM_001407671.1 and 11 more transcripts); c.877A>C, p.Thr293Pro (NM_001407652.1, NM_001407581.1, NM_001407582.1 and 30 more transcripts); c.799A>C, p.Thr267Pro (NM_001407653.1, NM_001407654.1, NM_001407655.1 and 4 more transcripts); c.796A>C, p.Thr266Pro (NM_001407659.1, NM_001407660.1, NM_001407661.1 and 1 more transcripts); c.874A>C, p.Thr292Pro (NM_001407587.1, NM_001407590.1, NM_001407591.1 and 22 more transcripts); c.754A>C, p.Thr252Pro (NM_001407664.1, NM_001407665.1, NM_001407666.1 and 19 more transcripts); and 40 more; short protein forms T293P, T246P, T165P, T182P, T204P, T205P, T226P, T125P.
Identifiers: ClinVar variation 489738 (VCV000489738.11), dbSNP rs1555592945, ClinGen allele CA10600323.